The following is an entry in ClinVar:

ClinVar aggregate classification (germline): Uncertain significance (0 of 4 stars; one submission).

Conditions:
PIGT-related disorder.

Submission:

PreventionGenetics, part of Exact Sciences
Classification: Uncertain significance for PIGT-related condition. Last evaluated: 2024-06-26. Review status: no assertion criteria provided. Collection method: clinical testing. Allele origin: germline.
Comment: The PIGT c.970G>C variant is predicted to result in the amino acid substitution p.Ala324Pro. To our knowledge, this variant has not been reported in the literature or in a large population database, indicating this variant is rare. At this time, the clinical significance of this variant is uncertain due to the absence of conclusive functional and genetic evidence.

NM_015937.6(PIGT):c.970G>C (p.Ala324Pro)

Gene: PIGT (phosphatidylinositol glycan anchor biosynthesis class T; plus strand). Cytogenetic location: 20q13.12.
Variant type: single nucleotide variant.
Coding change: c.970G>C on transcript NM_015937.6 (MANE Select); coding-DNA position 970, G replaced by C.
Protein change: p.Ala324Pro; replaces alanine 324 with proline.
Molecular consequence: missense variant. On other transcripts: non-coding transcript variant (5).
Genome position (GRCh38, 1-based): chr20:45,420,630, G>C. VCF-style: chr20-45420630-G-C. GRCh37 (hg19) VCF-style: chr20-44049270-G-C.
Other names: c.802G>C, p.Ala268Pro (NM_001184728.3); c.970G>C, p.Ala324Pro (NM_001184729.3); c.664G>C, p.Ala222Pro (NM_001184730.3); short protein forms A222P, A268P, A324P.
Identifiers: ClinVar variation 3345023 (VCV003345023.1).